The following is an entry in ClinVar:

ClinVar aggregate classification (germline): Conflicting classifications of pathogenicity. Review status: criteria provided, conflicting classifications (1 of 4 stars). 4 submissions from 4 submitters: Uncertain significance (3); Likely benign (1). Last evaluated 2026-03-19.

Conditions:
Inborn genetic diseases. Identifiers: MedGen C0950123, MeSH D030342.
Hypokalemic periodic paralysis, type 1. Also called: HypoPP; Hypokalemic Periodic Paralysis Type 1 (AD). Identifiers: Orphanet 681, MedGen C3714580, MONDO:0042979, OMIM 170400.
Malignant hyperthermia, susceptibility to, 5 (MHS5). Also called: CACNA1S-Related Malignant Hyperthermia Susceptibility. Identifiers: Orphanet 423, MedGen C1866077, MONDO:0011163, OMIM 601887.

Allele frequency attached by ClinVar (database versions not stated): TOPMed below 0.00001; gnomAD exomes 0.00001; ExAC 0.00002.
gnomAD v4.1: 6 of 1,613,752 alleles (0.00037%); highest among the groups gnomAD compares: Non-Finnish European, 0.00051%; no homozygotes.

Submissions (4):

GeneDx
Classification: Uncertain significance. Last evaluated: 2026-03-19. Review status: criteria provided, single submitter. Criteria: GeneDx Variant Classification Process June 2021. Collection method: clinical testing. Allele origin: germline.
Comment: Not observed at significant frequency in large population cohorts (gnomAD); In silico analysis supports that this missense variant has a deleterious effect on protein structure/function; Has not been previously published as pathogenic or benign to our knowledge

Ambry Genetics
Classification: Uncertain significance for Inborn genetic diseases. Last evaluated: 2024-10-26. Review status: criteria provided, single submitter. Criteria: Ambry Variant Classification Scheme 2023. Collection method: clinical testing. Allele origin: germline.

All of Us Research Program, National Institutes of Health
Classification: Uncertain significance for Malignant hyperthermia, susceptibility to, 5. Last evaluated: 2023-08-15. Review status: criteria provided, single submitter. Criteria: ACMG Guidelines, 2015. Collection method: clinical testing. Allele origin: germline. Inheritance: Autosomal dominant inheritance. Observed: 2 variant alleles, 2 heterozygotes.
Comment: This missense variant replaces aspartic acid with asparagine at codon 1180 of the CACNA1S protein. Computational prediction suggests that this variant may have deleterious impact on protein structure and function (internally defined REVEL score threshold >= 0.7, PMID: 27666373). To our knowledge, functional studies have not been reported for this variant. This variant has not been reported in individuals affected with CACNA1S-related disorders in the literature. This variant has been identified in 3/251448 chromosomes in the general population by the Genome Aggregation Database (gnomAD). The available evidence is insufficient to determine the role of this variant in disease conclusively. Therefore, this variant is classified as a Variant of Uncertain Significance.

This study involves interpretation of variants in research participants for the purpose of population health screening. Participant phenotype was not available at the time of variant classification. Additional details can be found in publication PMID: 35346344, PMCID: PMC8962531

Illumina Laboratory Services, Illumina
Classification: Likely benign for Hypokalemic periodic paralysis, type 1. Last evaluated: 2018-01-13. Review status: criteria provided, single submitter. Criteria: ICSL Variant Classification Criteria 13 December 2019. Collection method: clinical testing. Allele origin: germline.
Comment: This variant was observed in the ICSL laboratory as part of a predisposition screen in an ostensibly healthy population. It had not been previously curated by ICSL or reported in the Human Gene Mutation Database (HGMD: prior to June 1st, 2018), and was therefore a candidate for classification through an automated scoring system. Utilizing variant allele frequency, disease prevalence and penetrance estimates, and inheritance mode, an automated score was calculated to assess if this variant is too frequent to cause the disease. Based on the score and internal cut-off values, a variant classified as likely benign is not then subjected to further curation. The score for this variant resulted in a classification of likely benign for this disease.

NM_000069.3(CACNA1S):c.3538G>A (p.Asp1180Asn)

Gene: CACNA1S (calcium voltage-gated channel subunit alpha1 S; minus strand). Cytogenetic location: 1q32.1.
Variant type: single nucleotide variant.
Coding change: c.3538G>A on transcript NM_000069.3 (MANE Select); coding-DNA position 3538, G replaced by A.
Protein change: p.Asp1180Asn; replaces aspartic acid 1180 with asparagine.
Molecular consequence: missense variant.
Genome position (GRCh38, 1-based): chr1:201,058,479, C>T on the plus strand (G>A on the coding strand, the complement: CACNA1S is on the minus strand). VCF-style: chr1-201058479-C-T. GRCh37 (hg19) VCF-style: chr1-201027607-C-T.
Other names: short protein forms D1180N.
Identifiers: ClinVar variation 875661 (VCV000875661.7), dbSNP rs775845281, ClinGen allele CA082617.